The following is an entry in ClinVar:

ClinVar aggregate classification (germline): Likely pathogenic. Review status: criteria provided, single submitter (1 of 4 stars). 2 submissions from 2 submitters: Likely pathogenic (1). 1 of the submissions does not count toward it. Last evaluated 2024-02-01.

Conditions:
Spinocerebellar ataxia type 14 (SCA14). Identifiers: Orphanet 98763, MedGen C1854369, MONDO:0011540, OMIM 605361.

Submissions (2):

CeGaT Center for Human Genetics Tuebingen
Classification: Likely pathogenic. Last evaluated: 2024-02-01. Review status: criteria provided, single submitter. Criteria: CeGaT Center For Human Genetics Tuebingen Variant Classification Criteria Version 2. Collection method: clinical testing. Allele origin: germline. Affected: yes. Observed: 1 variant allele.
Comment: PRKCG: PM1, PM2, PM5, PP2, PP3, PS4:Supporting

GeneReviews
Classification: Pathogenic for Spinocerebellar Ataxia Type14. Last evaluated: 2013-04-18. Review status: no assertion criteria provided. Collection method: curation. Allele origin: unknown. Not counted in ClinVar's aggregate classification.
ClinVar note: Converted during submission from pathologic to Pathogenic.

NM_002739.5(PRKCG):c.368G>A (p.Gly123Glu)

Gene: PRKCG (protein kinase C gamma; plus strand). Cytogenetic location: 19q13.42.
Variant type: single nucleotide variant.
Coding change: c.368G>A on transcript NM_002739.5 (MANE Select); coding-DNA position 368, G replaced by A.
Protein change: p.Gly123Glu; replaces glycine 123 with glutamic acid.
Molecular consequence: missense variant.
Genome position (GRCh38, 1-based): chr19:53,889,720, G>A. VCF-style: chr19-53889720-G-A. GRCh37 (hg19) VCF-style: chr19-54392974-G-A.
Other names: c.368g>a; c.368G>A, p.Gly123Glu (NM_001316329.2); short protein forms G123E.
Identifiers: ClinVar variation 42165 (VCV000042165.25), dbSNP rs386134165, ClinGen allele CA344630.